The following is an entry in ClinVar:

NM_001297.5(CNGB1):c.3462+7T>C

Gene: CNGB1 (cyclic nucleotide gated channel subunit beta 1; minus strand). Cytogenetic location: 16q21.
Variant type: single nucleotide variant.
Coding change: c.3462+7T>C on transcript NM_001297.5 (MANE Select); 7 bases into the intron after coding-DNA position 3462, T replaced by C.
Molecular consequence: intron variant.
Genome position (GRCh38, 1-based): chr16:57,887,848, A>G on the plus strand (T>C on the coding strand, the complement: CNGB1 is on the minus strand). VCF-style: chr16-57887848-A-G. GRCh37 (hg19) VCF-style: chr16-57921752-A-G.
Other names: c.3444+7T>C (NM_001286130.2).
Identifiers: ClinVar variation 320059 (VCV000320059.29), dbSNP rs11076207, ClinGen allele CA8082558.

ClinVar aggregate classification (germline): Benign. Review status: criteria provided, multiple submitters, no conflicts (2 of 4 stars). 6 submissions from 6 submitters: Benign (4). 2 of the submissions do not count toward it. Last evaluated 2026-02-04.

Conditions:
Retinitis pigmentosa (RP). Identifiers: Orphanet 791, MedGen C0035334, MeSH D012174, MONDO:0019200, OMIM 268000. Inheritance: Autosomal dominant, autosomal recessive and X linked inheritance.
Retinitis pigmentosa 45 (RP45). Identifiers: Orphanet 791, MedGen C3151066, MONDO:0013413, OMIM 613767.

Allele frequency attached by ClinVar (database versions not stated): gnomAD exomes 0.30086 and 0.30711; ExAC 0.31064; ESP Exome Variant Server 0.36797; 1000 Genomes Project 0.37021; gnomAD 0.37077 and 0.37846; TOPMed 0.37331; 1000 Genomes Project 30x 0.37789.
gnomAD v4.1: 496,961 of 1,613,030 alleles (31%); highest among the groups gnomAD compares: African/African-American, 54%; 79,530 homozygotes.

Submissions (6):

Labcorp Genetics (formerly Invitae), Labcorp
Classification: Benign. Last evaluated: 2026-02-04. Review status: criteria provided, single submitter. Criteria: Invitae Variant Classification Sherloc (09022015). Collection method: clinical testing. Allele origin: germline.

ARUP Laboratories, Molecular Genetics and Genomics, ARUP Laboratories
Classification: Benign for Retinitis pigmentosa 45. Last evaluated: 2023-11-29. Review status: criteria provided, single submitter. Criteria: ARUP Molecular Germline Variant Investigation Process 2024. Collection method: clinical testing. Allele origin: germline.

Illumina Laboratory Services, Illumina
Classification: Benign for Retinitis pigmentosa. Last evaluated: 2018-01-13. Review status: criteria provided, single submitter. Criteria: ICSL Variant Classification Criteria 13 December 2019. Collection method: clinical testing. Allele origin: germline.
Comment: This variant was observed in the ICSL laboratory as part of a predisposition screen in an ostensibly healthy population. It had not been previously curated by ICSL or reported in the Human Gene Mutation Database (HGMD: prior to June 1st, 2018), and was therefore a candidate for classification through an automated scoring system. Utilizing variant allele frequency, disease prevalence and penetrance estimates, and inheritance mode, an automated score was calculated to assess if this variant is too frequent to cause the disease. Based on the score and internal cut-off values, a variant classified as benign is not then subjected to further curation. The score for this variant resulted in a classification of benign for this disease.

Breakthrough Genomics
Classification: Benign. Review status: criteria provided, single submitter. Criteria: ACMG Guidelines, 2015. Collection method: not provided. Allele origin: germline. Inheritance: Autosomal recessive inheritance. Affected: yes.

Diagnostic Laboratory, Department of Genetics, University Medical Center Groningen
Classification: Benign. Review status: no assertion criteria provided. Collection method: clinical testing. Allele origin: germline. Affected: yes. Study: VKGL Data-share Consensus. Not counted in ClinVar's aggregate classification.

Joint Genome Diagnostic Labs from Nijmegen and Maastricht, Radboudumc and MUMC+
Classification: Benign. Review status: no assertion criteria provided. Collection method: clinical testing. Allele origin: germline. Affected: yes. Study: VKGL Data-share Consensus. Not counted in ClinVar's aggregate classification.